The following is an entry in ClinVar:

ClinVar aggregate classification (germline): Uncertain significance. Review status: criteria provided, multiple submitters, no conflicts (2 of 4 stars). 3 submissions from 3 submitters: Uncertain significance (3). Last evaluated 2025-10-13.

Conditions:
Cardiovascular phenotype. Identifiers: MedGen CN230736.
Hypertrophic cardiomyopathy. Also called: HYPERTROPHIC MYOCARDIOPATHY. Identifiers: Orphanet 217569, MedGen C0007194, MeSH D002312, MONDO:0005045, HP:0001639.

Allele frequency attached by ClinVar (database versions not stated): gnomAD exomes below 0.00001.
gnomAD v4.1: 5 of 1,564,720 alleles (0.00032%); highest among the groups gnomAD compares: Non-Finnish European, 0.00035%; no homozygotes.

Submissions (3):

Labcorp Genetics (formerly Invitae), Labcorp
Classification: Uncertain significance for Hypertrophic cardiomyopathy. Last evaluated: 2025-10-13. Review status: criteria provided, single submitter. Criteria: Invitae Variant Classification Sherloc (09022015). Collection method: clinical testing. Allele origin: germline.
Comment: This sequence change replaces serine, which is neutral and polar, with proline, which is neutral and non-polar, at codon 39 of the TNNI3 protein (p.Ser39Pro). The frequency data for this variant in the population databases is considered unreliable, as metrics indicate poor data quality at this position in the gnomAD database. This variant has not been reported in the literature in individuals affected with TNNI3-related conditions. ClinVar contains an entry for this variant (Variation ID: 1736458). An algorithm developed to predict the effect of missense changes on protein structure and function (PolyPhen-2) suggests that this variant is likely to be tolerated. In summary, the available evidence is currently insufficient to determine the role of this variant in disease. Therefore, it has been classified as a Variant of Uncertain Significance.

All of Us Research Program, National Institutes of Health
Classification: Uncertain significance for Hypertrophic cardiomyopathy. Last evaluated: 2024-07-29. Review status: criteria provided, single submitter. Criteria: ACMG Guidelines, 2015. Collection method: clinical testing. Allele origin: germline. Inheritance: Autosomal dominant inheritance. Observed: 1 variant allele, 1 heterozygote.
Comment: This missense variant replaces serine with proline at codon 39 of the TNNI3 protein. Computational prediction suggests that this variant may not impact protein structure and function (internally defined REVEL score threshold <= 0.5, PMID: 27666373). To our knowledge, functional studies have not been reported for this variant. This variant has not been reported in individuals affected with TNNI3-related disorders in the literature. This variant has been identified in 1/176158 chromosomes in the general population by the Genome Aggregation Database (gnomAD). The available evidence is insufficient to determine the role of this variant in disease conclusively. Therefore, this variant is classified as a Variant of Uncertain Significance.

This study involves interpretation of variants in research participants for the purpose of population health screening. Participant phenotype was not available at the time of variant classification. Additional details can be found in publication PMID: 35346344, PMCID: PMC8962531

Ambry Genetics
Classification: Uncertain significance for Cardiovascular phenotype. Last evaluated: 2022-03-23. Review status: criteria provided, single submitter. Criteria: Ambry Variant Classification Scheme 2023. Collection method: clinical testing. Allele origin: germline.

NM_000363.5(TNNI3):c.115T>C (p.Ser39Pro)

Gene: TNNI3 (troponin I3, cardiac type; minus strand). Cytogenetic location: 19q13.42.
Variant type: single nucleotide variant.
Coding change: c.115T>C on transcript NM_000363.5 (MANE Select); coding-DNA position 115, T replaced by C.
Protein change: p.Ser39Pro; replaces serine 39 with proline.
Molecular consequence: missense variant.
Genome position (GRCh38, 1-based): chr19:55,156,638, A>G on the plus strand (T>C on the coding strand, the complement: TNNI3 is on the minus strand). VCF-style: chr19-55156638-A-G. GRCh37 (hg19) VCF-style: chr19-55668006-A-G.
Other names: short protein forms S39P.
Identifiers: ClinVar variation 1736458 (VCV001736458.8), dbSNP rs1568859416, ClinGen allele CA407442488.